The following is an entry in ClinVar:

ClinVar aggregate classification (germline): Pathogenic (1 of 4 stars; one submission).

Conditions:
Spastic paraplegia 85, autosomal recessive (SPG85). Identifiers: Orphanet 631082, MedGen C5562053, MONDO:0030512, OMIM 619686.

gnomAD v4.1: 2 of 1,598,878 alleles (0.00013%); highest among the groups gnomAD compares: Non-Finnish European, 0.00017%; no homozygotes.

Submission:

Clinical Genetics Laboratory, Skane University Hospital Lund
Classification: Pathogenic for Spastic paraplegia 85, autosomal recessive. Last evaluated: 2025-09-10. Review status: criteria provided, single submitter. Criteria: ACMG Guidelines, 2015. Collection method: clinical testing. Allele origin: biparental. Inheritance: Autosomal recessive inheritance. Affected: yes.
Comment: ACMG criteria used: PVS1, PS3, PM2 and PM3_Supporting.

NM_030954.4(RNF170):c.190C>T (p.Arg64Ter)

Gene: RNF170 (ring finger protein 170; minus strand). Cytogenetic location: 8p11.21.
Variant type: single nucleotide variant.
Coding change: c.190C>T on transcript NM_030954.4 (MANE Select); coding-DNA position 190, C replaced by T.
Protein change: p.Arg64Ter; replaces arginine 64 with a stop codon.
Molecular consequence: nonsense. On other transcripts: 5 prime UTR variant (1), non-coding transcript variant (2).
Genome position (GRCh38, 1-based): chr8:42,873,954, G>A on the plus strand (C>T on the coding strand, the complement: RNF170 is on the minus strand). VCF-style: chr8-42873954-G-A. GRCh37 (hg19) VCF-style: chr8-42729097-G-A.
Other names: c.190C>T, p.Arg64Ter (NM_001160223.2, NM_001160224.2); c.-63C>T (NM_001160225.2); short protein forms R64*.
Identifiers: ClinVar variation 4082202 (VCV004082202.1).
Genomic context (GRCh38, chr8:42,873,954, plus strand): 5'-ATCACATCTACTCCTCAAATAAATACATATACAATACCTGTTCTGTTTGAAGCTGTTCTC[G>A]AAGTACCCTTACTAGCTCCTGGTTTTCTGGGTGAATGTTTTGATGTACATTTCTGTTGAA-3'